The following is an entry in ClinVar:

NM_001365999.1(SZT2):c.8105T>C (p.Leu2702Pro)

Gene: SZT2 (SZT2 subunit of KICSTOR complex; plus strand). Cytogenetic location: 1p34.2.
Variant type: single nucleotide variant.
Coding change: c.8105T>C on transcript NM_001365999.1 (MANE Select); coding-DNA position 8105, T replaced by C.
Protein change: p.Leu2702Pro; replaces leucine 2702 with proline.
Molecular consequence: missense variant.
Genome position (GRCh38, 1-based): chr1:43,442,572, T>C. VCF-style: chr1-43442572-T-C. GRCh37 (hg19) VCF-style: chr1-43908243-T-C.
Other names: c.7934T>C, p.Leu2645Pro (NM_015284.4); short protein forms L2645P, L2702P.
Identifiers: ClinVar variation 1304323 (VCV001304323.2), dbSNP rs2153935953, ClinGen allele CA340037589.
Genomic context (GRCh38, chr1:43,442,572, plus strand): 5'-TGCAGTGGCAGAATGCACGAGCCCATCTCATCTTCTGCCTACTCAGCCAGAAGCTTGGCC[T>C]CTTCCATCATTATGGCCAGTTGGACTTCCCCGTGCGAGATGAAAAGGTGCCTGCTGCTCT-3'
Protein context (NP_001352928.1, residues 2692-2712): IFCLLSQKLG[Leu2702Pro]FHHYGQLDFP

ClinVar aggregate classification (germline): Uncertain significance (1 of 4 stars; one submission).

gnomAD v4.1: 4 of 1,613,312 alleles (0.00025%); highest among the groups gnomAD compares: Non-Finnish European, 0.00034%; no homozygotes.

Submission:

GeneDx
Classification: Uncertain significance. Last evaluated: 2018-11-27. Review status: criteria provided, single submitter. Criteria: GeneDx Variant Classification Process June 2021. Collection method: clinical testing. Allele origin: germline. Affected: yes.
Comment: Not observed in large population cohorts (Lek et al., 2016); In silico analysis, which includes protein predictors and evolutionary conservation, supports a deleterious effect; Has not been previously published as pathogenic or benign to our knowledge